The following is an entry in ClinVar:

ClinVar aggregate classification (germline): Benign/Likely benign. Review status: criteria provided, multiple submitters, no conflicts (2 of 4 stars). 5 submissions from 5 submitters: Benign (1); Likely benign (3). 1 of the submissions does not count toward it. Last evaluated 2026-01-26.

Conditions:
Fraser syndrome 1 (FRASRS1). Also called: CRYPTOPHTHALMOS WITH OTHER MALFORMATIONS. Identifiers: Orphanet 2052, MedGen C4551480, MONDO:0054737, OMIM 219000.
FRAS1-related disorder. Also called: FRAS1-related condition.

Allele frequency attached by ClinVar (database versions not stated): gnomAD 0.00012 and 0.00017; TOPMed 0.00014; gnomAD exomes 0.00021; 1000 Genomes Project 30x 0.00125; 1000 Genomes Project 0.00140.
gnomAD v4.1: 387 of 1,611,642 alleles (0.024%); highest among the groups gnomAD compares: East Asian, 0.65%; 4 homozygotes.

Submissions (5):

Labcorp Genetics (formerly Invitae), Labcorp
Classification: Benign. Last evaluated: 2026-01-26. Review status: criteria provided, single submitter. Criteria: Invitae Variant Classification Sherloc (09022015). Collection method: clinical testing. Allele origin: germline.

Blueprint Genetics
Classification: Likely benign. Last evaluated: 2024-11-08. Review status: criteria provided, single submitter. Criteria: ACMG Guidelines, 2015. Collection method: clinical testing. Allele origin: germline.

Fulgent Genetics
Classification: Likely benign for Fraser syndrome 1. Last evaluated: 2021-09-13. Review status: criteria provided, single submitter. Criteria: ACMG Guidelines, 2015. Collection method: clinical testing. Allele origin: unknown.

Illumina Laboratory Services, Illumina
Classification: Likely benign for Fraser syndrome 1. Last evaluated: 2018-01-13. Review status: criteria provided, single submitter. Criteria: ICSL Variant Classification Criteria 13 December 2019. Collection method: clinical testing. Allele origin: germline.
Comment: This variant was observed in the ICSL laboratory as part of a predisposition screen in an ostensibly healthy population. It had not been previously curated by ICSL or reported in the Human Gene Mutation Database (HGMD: prior to June 1st, 2018), and was therefore a candidate for classification through an automated scoring system. Utilizing variant allele frequency, disease prevalence and penetrance estimates, and inheritance mode, an automated score was calculated to assess if this variant is too frequent to cause the disease. Based on the score and internal cut-off values, a variant classified as likely benign is not then subjected to further curation. The score for this variant resulted in a classification of likely benign for this disease.

PreventionGenetics, part of Exact Sciences
Classification: Likely benign for FRAS1-related condition. Last evaluated: 2019-02-28. Review status: no assertion criteria provided. Collection method: clinical testing. Allele origin: germline. Not counted in ClinVar's aggregate classification.
Comment: This variant is classified as likely benign based on ACMG/AMP sequence variant interpretation guidelines (Richards et al. 2015 PMID: 25741868, with internal and published modifications).

NM_025074.7(FRAS1):c.10008G>A (p.Pro3336=)

Gene: FRAS1 (Fraser extracellular matrix complex subunit 1; plus strand). Cytogenetic location: 4q21.21.
Variant type: single nucleotide variant.
Coding change: c.10008G>A on transcript NM_025074.7 (MANE Select); coding-DNA position 10008, G replaced by A.
Protein change: p.Pro3336=; no amino-acid change (proline 3336 retained).
Molecular consequence: synonymous variant.
Genome position (GRCh38, 1-based): chr4:78,511,501, G>A. VCF-style: chr4-78511501-G-A. GRCh37 (hg19) VCF-style: chr4-79432655-G-A.
Identifiers: ClinVar variation 349793 (VCV000349793.21), dbSNP rs76120498, ClinGen allele CA2978819.
Genomic context (GRCh38, chr4:78,511,501, plus strand): 5'-CCAGGCTCAGTCCTTCATCGCAACCTTGAAATACCTGGATGTCAAACATAAGGAGCATCC[G>A]AACAGGTCAGGCAGGTGGTGCCTTCCACCACACATAGATTGAAGTGAATCTCAGGTCTCC-3'
Protein context (NP_079350.5, residues 3326-3346): KYLDVKHKEH[Pro3336=]NRIHISVQIP